The following is an entry in ClinVar:

NM_002519.3(NPAT):c.3901A>G (p.Thr1301Ala)

Gene: NPAT (nuclear protein, coactivator of histone transcription; minus strand). Cytogenetic location: 11q22.3.
Variant type: single nucleotide variant.
Coding change: c.3901A>G on transcript NM_002519.3 (MANE Select); coding-DNA position 3901, A replaced by G.
Protein change: p.Thr1301Ala; replaces threonine 1301 with alanine.
Molecular consequence: missense variant.
Genome position (GRCh38, 1-based): chr11:108,161,185, T>C on the plus strand (A>G on the coding strand, the complement: NPAT is on the minus strand). VCF-style: chr11-108161185-T-C. GRCh37 (hg19) VCF-style: chr11-108031912-T-C.
Other names: c.3922A>G, p.Thr1308Ala (NM_001321307.1); short protein forms T1301A, T1308A.
Identifiers: ClinVar variation 1736026 (VCV001736026.2), dbSNP rs2496694174, ClinGen allele CA382509797.

ClinVar aggregate classification (germline): Uncertain significance (1 of 4 stars; one submission).

Submission:

Ambry Genetics
Classification: Uncertain significance. Last evaluated: 2021-06-20. Review status: criteria provided, single submitter. Criteria: Ambry Variant Classification Scheme 2023. Collection method: clinical testing. Allele origin: germline.
Comment: The p.T1301A variant (also known as c.3901A>G), located in coding exon 17 of the NPAT gene, results from an A to G substitution at nucleotide position 3901. The threonine at codon 1301 is replaced by alanine, an amino acid with similar properties. This amino acid position is conserved. In addition, this alteration is predicted to be tolerated by in silico analysis. Since supporting evidence is limited at this time, the clinical significance of this alteration remains unclear.